The following is an entry in ClinVar:

ClinVar aggregate classification (germline): Uncertain significance. Review status: criteria provided, multiple submitters, no conflicts (2 of 4 stars). 2 submissions from 2 submitters: Uncertain significance (2). Last evaluated 2024-12-23.

Allele frequency attached by ClinVar (database versions not stated): gnomAD exomes below 0.00001; gnomAD 0.00001.
gnomAD v4.1: 3 of 1,609,708 alleles (0.00019%); highest among the groups gnomAD compares: Admixed American, 0.0033%; no homozygotes.

Submissions (2):

GeneDx
Classification: Uncertain significance. Last evaluated: 2024-12-23. Review status: criteria provided, single submitter. Criteria: GeneDx Variant Classification Process June 2021. Collection method: clinical testing. Allele origin: germline. Affected: yes.
Comment: Not observed at significant frequency in large population cohorts (gnomAD); In silico analysis indicates that this missense variant does not alter protein structure/function; Has not been previously published as pathogenic or benign to our knowledge

Labcorp Genetics (formerly Invitae), Labcorp
Classification: Uncertain significance. Last evaluated: 2021-09-01. Review status: criteria provided, single submitter. Criteria: Invitae Variant Classification Sherloc (09022015). Collection method: clinical testing. Allele origin: germline.
Comment: This sequence change replaces valine with alanine at codon 668 of the COL9A1 protein (p.Val668Ala). The valine residue is moderately conserved and there is a small physicochemical difference between valine and alanine. This variant is not present in population databases (ExAC no frequency). This variant has not been reported in the literature in individuals affected with COL9A1-related conditions. Advanced modeling of protein sequence and biophysical properties (such as structural, functional, and spatial information, amino acid conservation, physicochemical variation, residue mobility, and thermodynamic stability) performed at Invitae indicates that this missense variant is not expected to disrupt COL9A1 protein function. In summary, the available evidence is currently insufficient to determine the role of this variant in disease. Therefore, it has been classified as a Variant of Uncertain Significance.

NM_001851.6(COL9A1):c.2003T>C (p.Val668Ala)

Gene: COL9A1 (collagen type IX alpha 1 chain; minus strand). Cytogenetic location: 6q13.
Variant type: single nucleotide variant.
Coding change: c.2003T>C on transcript NM_001851.6 (MANE Select); coding-DNA position 2003, T replaced by C.
Protein change: p.Val668Ala; replaces valine 668 with alanine.
Molecular consequence: missense variant. On other transcripts: non-coding transcript variant (1).
Genome position (GRCh38, 1-based): chr6:70,241,450, A>G on the plus strand (T>C on the coding strand, the complement: COL9A1 is on the minus strand). VCF-style: chr6-70241450-A-G. GRCh37 (hg19) VCF-style: chr6-70951153-A-G.
Other names: c.1304T>C, p.Val435Ala (NM_001377289.1); c.1274T>C, p.Val425Ala (NM_001377290.1, NM_078485.4); c.2003T>C (NM_001851.4); short protein forms V435A, V425A, V668A.
Identifiers: ClinVar variation 1523894 (VCV001523894.6), dbSNP rs1199161003, ClinGen allele CA364675164.